The following is an entry in ClinVar:

NM_174905.4(TSLIG3C):c.322G>A (p.Glu108Lys)

Gene: TSLIG3C (tRNA splicing ligase complex subunit 3C; plus strand). Cytogenetic location: 19q13.2.
Variant type: single nucleotide variant.
Coding change: c.322G>A on transcript NM_174905.4 (MANE Select); coding-DNA position 322, G replaced by A.
Protein change: p.Glu108Lys; replaces glutamic acid 108 with lysine.
Molecular consequence: missense variant.
Genome position (GRCh38, 1-based): chr19:38,403,667, G>A. VCF-style: chr19-38403667-G-A. GRCh37 (hg19) VCF-style: chr19-38894307-G-A.
Other names: c.322G>A, p.Glu108Lys (NM_001351675.1); short protein forms E108K.
Identifiers: ClinVar variation 3057083 (VCV003057083.2), dbSNP rs150024474, ClinGen allele CA9414842.

ClinVar aggregate classification (germline): Benign (0 of 4 stars; one submission).

Conditions:
FAM98C-related disorder. Also called: FAM98C-related condition.

Allele frequency attached by ClinVar (database versions not stated): ESP Exome Variant Server 0.02162; 1000 Genomes Project 0.03255; 1000 Genomes Project 30x 0.03482.
gnomAD v4.1: 45,888 of 1,415,012 alleles (3.2%); highest among the groups gnomAD compares: African/African-American, 5.1%; 807 homozygotes.

Submission:

PreventionGenetics, part of Exact Sciences
Classification: Benign for FAM98C-related condition. Last evaluated: 2019-10-28. Review status: no assertion criteria provided. Collection method: clinical testing. Allele origin: germline.
Comment: This variant is classified as benign based on ACMG/AMP sequence variant interpretation guidelines (Richards et al. 2015 PMID: 25741868, with internal and published modifications).